The following is an entry in ClinVar:

NM_002900.3(RBP3):c.132C>G (p.Asn44Lys)

Gene: RBP3 (retinol binding protein 3; plus strand). Cytogenetic location: 10q11.22.
Variant type: single nucleotide variant.
Coding change: c.132C>G on transcript NM_002900.3 (MANE Select); coding-DNA position 132, C replaced by G.
Protein change: p.Asn44Lys; replaces asparagine 44 with lysine.
Molecular consequence: missense variant.
Genome position (GRCh38, 1-based): chr10:47,348,616, C>G. VCF-style: chr10-47348616-C-G. GRCh37 (hg19) VCF-style: chr10-48390746-G-C.
Other names: c.132C>G (NM_002900.2); short protein forms N44K.
Identifiers: ClinVar variation 1959301 (VCV001959301.4), dbSNP rs2132252140, ClinGen allele CA376664141.

ClinVar aggregate classification (germline): Uncertain significance. Review status: criteria provided, multiple submitters, no conflicts (2 of 4 stars). 2 submissions from 2 submitters: Uncertain significance (2). Last evaluated 2025-07-01.

Conditions:
Inborn genetic diseases. Identifiers: MedGen C0950123, MeSH D030342.

Submissions (2):

Ambry Genetics
Classification: Uncertain significance for Inborn genetic diseases. Last evaluated: 2025-07-01. Review status: criteria provided, single submitter. Criteria: Ambry Variant Classification Scheme 2023. Collection method: clinical testing. Allele origin: germline.

Labcorp Genetics (formerly Invitae), Labcorp
Classification: Uncertain significance. Last evaluated: 2022-02-14. Review status: criteria provided, single submitter. Criteria: Invitae Variant Classification Sherloc (09022015). Collection method: clinical testing. Allele origin: germline.
Comment: This variant has not been reported in the literature in individuals affected with RBP3-related conditions. In summary, the available evidence is currently insufficient to determine the role of this variant in disease. Therefore, it has been classified as a Variant of Uncertain Significance. Algorithms developed to predict the effect of missense changes on protein structure and function (SIFT, PolyPhen-2, Align-GVGD) all suggest that this variant is likely to be tolerated. This variant is not present in population databases (gnomAD no frequency). This sequence change replaces asparagine, which is neutral and polar, with lysine, which is basic and polar, at codon 44 of the RBP3 protein (p.Asn44Lys).